The following is an entry in ClinVar:

NM_001184.4(ATR):c.6025T>C (p.Phe2009Leu)

Gene: ATR (ATR checkpoint kinase; minus strand). Cytogenetic location: 3q23.
Variant type: single nucleotide variant.
Coding change: c.6025T>C on transcript NM_001184.4 (MANE Select); coding-DNA position 6025, T replaced by C.
Protein change: p.Phe2009Leu; replaces phenylalanine 2009 with leucine.
Molecular consequence: missense variant.
Genome position (GRCh38, 1-based): chr3:142,493,185, A>G on the plus strand (T>C on the coding strand, the complement: ATR is on the minus strand). VCF-style: chr3-142493185-A-G. GRCh37 (hg19) VCF-style: chr3-142212027-A-G.
Other names: c.5833T>C, p.Phe1945Leu (NM_001354579.2); short protein forms F1945L, F2009L.
Identifiers: ClinVar variation 1751146 (VCV001751146.3), dbSNP rs2473142831, ClinGen allele CA354811384.

ClinVar aggregate classification (germline): Uncertain significance (1 of 4 stars; one submission).

Conditions:
Inborn genetic diseases. Identifiers: MedGen C0950123, MeSH D030342.

Submission:

Ambry Genetics
Classification: Uncertain significance for Inborn genetic diseases. Last evaluated: 2024-03-30. Review status: criteria provided, single submitter. Criteria: Ambry Variant Classification Scheme 2023. Collection method: clinical testing. Allele origin: germline.
Comment: The p.F2009L variant (also known as c.6025T>C), located in coding exon 35 of the ATR gene, results from a T to C substitution at nucleotide position 6025. The phenylalanine at codon 2009 is replaced by leucine, an amino acid with highly similar properties. This amino acid position is conserved. In addition, this alteration is predicted to be tolerated by in silico analysis. Since supporting evidence is limited at this time, the clinical significance of this alteration remains unclear.